The following continues an entry in ClinVar:

NM_000051.4(ATM):c.1402_1403del (p.Lys468fs)

Gene: ATM. ClinVar aggregate classification (germline): Pathogenic. Pathogenic (1).

Submissions 11 to 26 of 31:

Color Diagnostics, LLC DBA Color Health
Classification: Pathogenic for Hereditary cancer-predisposing syndrome. Last evaluated: 2024-09-23. Review status: criteria provided, single submitter. Criteria: ACMG Guidelines, 2015. Collection method: clinical testing. Allele origin: germline. Not counted in ClinVar's aggregate classification.
Comment: This variant deletes 2 nucleotides in exon 10 of the ATM gene, creating a frameshift and premature translation stop signal. This variant is expected to result in an absent or non-functional protein product. This variant has been reported in the homozygous state and in the compound heterozygous state with an additional ATM pathogenic variant in individuals affected with ataxia telangiectasia (PMID: 9792409, 20308662, 21665257, 22649200, 23322442, 23726790, 23807571). This variant has also been reported in individuals affected with breast cancer and ovarian cancer (PMID: 24733792, 26094658, 31815095). This variant has been identified in 13/282780 chromosomes in the general population by the Genome Aggregation Database (gnomAD). Loss of ATM function is a known mechanism of disease. Based on the available evidence, this variant is classified as Pathogenic.

St. Jude Molecular Pathology, St. Jude Children's Research Hospital
Classification: Pathogenic for Familial cancer of breast. Last evaluated: 2024-06-04. Review status: criteria provided, single submitter. Criteria: St. Jude Assertion Criteria 2020. Collection method: clinical testing. Allele origin: germline. Not counted in ClinVar's aggregate classification.
Comment: The ATM c.1402_1403del (p.Lys468GlufsTer18) change deletes two nucleotide to cause a frameshift and the creation of a premature stop codon. This change is predicted to cause protein truncation or absence of protein due to nonsense-mediated decay. This variant has been reported in the homozygous and compound heterozygous state in individuals with ataxia telangiectasia (PMID 9792409; 12552559; 20308662; 21665257; 22649200; 23322442; 23726790; 23807571). This variant has a maximum subpopulation frequency of 0.03% in gnomAD v2.1.1. In summary, this variant meets criteria to be classified as pathogenic.

Institute for Genomic Medicine (IGM) Clinical Laboratory, Nationwide Children's Hospital
Classification: Pathogenic for ATM-related cancer predisposition. Last evaluated: 2024-05-09. Review status: criteria provided, single submitter. Criteria: ACMG Guidelines, 2015. Collection method: clinical testing. Allele origin: germline. Not counted in ClinVar's aggregate classification.
Comment: This variant is predicted to result in loss of function through nonsense-mediated decay of the encoded transcript or premature truncation of the encoded protein in a gene in which loss of function is a known mechanism of disease (ACMG/AMP: PVS1; PMIDs:10677309, 3574400, 35008949, 33509806). Well-established functional studies have demonstrated this variant to have a damaging effect on protein function or splicing (ACMG/AMP: PS3_Moderate; PMID:22649200). This variant has been reported at an elevated frequency in affected individuals/in multiple affected individuals in the literature (ACMG/AMP: PS4_Moderate; PMIDs:31815095, 26094658, 24733792). This variant has been observed in trans with a pathogenic variant (ACMG/AMP: PM3; PMIDs:22649200, 23322442, 20308662).

Baylor Genetics
Classification: Pathogenic for Familial cancer of breast. Last evaluated: 2024-03-24. Review status: criteria provided, single submitter. Criteria: ACMG Guidelines, 2015. Collection method: clinical testing. Allele origin: unknown. Not counted in ClinVar's aggregate classification.

Fulgent Genetics
Classification: Pathogenic for Familial cancer of breast; Ataxia-telangiectasia syndrome. Last evaluated: 2024-01-22. Review status: criteria provided, single submitter. Criteria: ACMG Guidelines, 2015. Collection method: clinical testing. Allele origin: germline. Not counted in ClinVar's aggregate classification.

Myriad Genetics, Inc.
Classification: Pathogenic for Familial cancer of breast. Last evaluated: 2024-01-16. Review status: criteria provided, single submitter. Criteria: Myriad Autosomal Dominant, Autosomal Recessive and X-Linked Classification Criteria (2023). Collection method: clinical testing. Allele origin: unknown. Not counted in ClinVar's aggregate classification.
Comment: This variant is considered pathogenic. This variant creates a frameshift predicted to result in premature protein truncation.

3billion
Classification: Pathogenic for Ataxia-telangiectasia syndrome. Last evaluated: 2023-02-23. Review status: criteria provided, single submitter. Criteria: ACMG Guidelines, 2015. Collection method: clinical testing. Allele origin: unknown. Affected: yes. Not counted in ClinVar's aggregate classification.
Comment: The variant is observed at an extremely low frequency in the gnomAD v2.1.1 dataset (total allele frequency: 0.005%). This homozygous variant was predicted to result in a loss or disruption of normal protein function through nonsense-mediated decay (NMD) or protein truncation. Multiple pathogenic variants are reported downstream of the variant. The variant has been reported at least twice as pathogenic with clinical assertions and evidence for the classification (ClinVar ID: VCV000140889 / PMID: 9792409). Therefore, this variant is classified as Pathogenic according to the recommendation of ACMG/AMP guideline.

Mayo Clinic Laboratories, Mayo Clinic
Classification: Pathogenic. Last evaluated: 2023-02-08. Review status: criteria provided, single submitter. Criteria: ACMG Guidelines, 2015. Collection method: clinical testing. Allele origin: germline. Observed: 5 variant alleles. Not counted in ClinVar's aggregate classification.
Comment: PM3_strong, PVS1

GeneDx
Classification: Pathogenic. Last evaluated: 2022-12-27. Review status: criteria provided, single submitter. Criteria: GeneDx Variant Classification Process June 2021. Collection method: clinical testing. Allele origin: germline. Affected: yes. Not counted in ClinVar's aggregate classification.
Comment: Frameshift variant predicted to result in protein truncation or nonsense mediated decay in a gene for which loss of function is a known mechanism of disease; Truncating variants in this gene are considered pathogenic by a well-established clinical consortium and/or database; This variant is associated with the following publications: (PMID: 23322442, 22649200, 25892863, 26094658, 20308662, 32866655, 24733792, 10817650, 9792409, 12552559, 23807571, 24763289, 23264026, 21933854, 23726790, 25101980, 27433846, 28779002, 28152038, 30322717, 30607632, 31815095, 32318955, 31447099, 31980526, 26896183, 31691010, 32761968, 34247626, 21665257, 35171259, 34771502, 34917121, 33277227, 30613976, 28724667, 29922827)

CHEO Genetics Diagnostic Laboratory, Children's Hospital of Eastern Ontario
Classification: Pathogenic for Breast and/or ovarian cancer. Last evaluated: 2022-10-03. Review status: criteria provided, single submitter. Criteria: ACMG Guidelines, 2015. Collection method: clinical testing. Allele origin: germline. Not counted in ClinVar's aggregate classification.

HudsonAlpha Institute for Biotechnology
Classification: Pathogenic for Ataxia-telangiectasia syndrome; Familial cancer of breast. Last evaluated: 2022-09-26. Review status: criteria provided, single submitter. Criteria: ACMG Guidelines, 2015. Collection method: research. Allele origin: unknown. Observed: 1 variant allele. Study: HudsonAlpha-COAGS. Not counted in ClinVar's aggregate classification.

MGZ Medical Genetics Center
Classification: Pathogenic for Familial cancer of breast. Last evaluated: 2022-04-28. Review status: criteria provided, single submitter. Criteria: ACMG Guidelines, 2015. Collection method: clinical testing. Allele origin: germline. Affected: yes. Observed: 2 variant alleles. Not counted in ClinVar's aggregate classification.
Comment: ACMG criteria applied: PVS1, PS4_MOD, PM3, PM2_SUP

Department of Pathology and Laboratory Medicine, Sinai Health System
Classification: Pathogenic for Familial colorectal cancer type X. Last evaluated: 2022-04-12. Review status: criteria provided, single submitter. Criteria: ACMG Guidelines, 2015. Collection method: clinical testing. Allele origin: germline. Affected: yes. Not counted in ClinVar's aggregate classification.

Women's Health and Genetics/Laboratory Corporation of America, LabCorp
Classification: Pathogenic for Ataxia-telangiectasia syndrome. Last evaluated: 2020-07-03. Review status: criteria provided, single submitter. Criteria: LabCorp Variant Classification Summary - May 2015. Collection method: clinical testing. Allele origin: germline. Not counted in ClinVar's aggregate classification.
Comment: Variant summary: ATM c.1402_1403delAA (p.Lys468GlufsX18) results in a premature termination codon, predicted to cause a truncation of the encoded protein or absence of the protein due to nonsense mediated decay, which are commonly known mechanisms for disease. Truncations downstream of this position have been classified as pathogenic by our laboratory. The variant allele was found at a frequency of 4e-05 in 251414 control chromosomes. This frequency is not significantly higher than expected for a pathogenic variant in ATM causing Ataxia-Telangiectasia (4e-05 vs 0.004), allowing no conclusion about variant significance. c.1402_1403delAA has been reported in the literature in homozygous and compound heterozygous genotypes among multiple individuals affected with Ataxia-Telangiectasia (example, Broeks_1998, Lin_2010, Buzin_2003, Carney_2012, Jeddane_2013), and in heterozygosity among multiple individuals with a variety of cancers, such as breast and ovarian (example, Kurian_2015, Alorafi_2015, Manchana_2019). These data indicate that the variant is very likely to be associated with disease. At least one publication reports experimental evidence evaluating an impact on protein function (Carney_2012). The most pronounced variant effect results in a complete absence of ATM protein as measured by western blot and no ATM activity. Four clinical diagnostic laboratories have submitted clinical-significance assessments for this variant to ClinVar after 2014 without evidence for independent evaluation. All laboratories classified the variant as pathogenic (n=3)/likely pathogenic (n=1). Based on the evidence outlined above, the variant was classified as pathogenic.

Ambry Genetics
Classification: Pathogenic for Hereditary cancer-predisposing syndrome. Last evaluated: 2012-11-19. Review status: criteria provided, single submitter. Criteria: Ambry Autosomal Dominant and X-Linked criteria (10/2015). Collection method: clinical testing. Allele origin: germline. Observed: 1 variant allele. Not counted in ClinVar's aggregate classification.
Comment: Alterations resulting in premature truncation (e.g.reading frame shift, nonsense)

Genesis Genomics
Classification: Pathogenic for Familial cancer of breast. Review status: criteria provided, single submitter. Criteria: ACMG Guidelines, 2015. Collection method: clinical testing. Allele origin: germline. Affected: yes. Observed: 1 variant allele. Not counted in ClinVar's aggregate classification.